The following is an entry in ClinVar:

NM_004360.5(CDH1):c.2036C>G (p.Thr679Ser)

Gene: CDH1 (cadherin 1; plus strand). Cytogenetic location: 16q22.1.
Variant type: single nucleotide variant.
Coding change: c.2036C>G on transcript NM_004360.5 (MANE Select); coding-DNA position 2036, C replaced by G.
Protein change: p.Thr679Ser; replaces threonine 679 with serine.
Molecular consequence: missense variant.
Genome position (GRCh38, 1-based): chr16:68,823,498, C>G. VCF-style: chr16-68823498-C-G. GRCh37 (hg19) VCF-style: chr16-68857401-C-G.
Other names: c.1853C>G, p.Thr618Ser (NM_001317184.2); c.488C>G, p.Thr163Ser (NM_001317185.2); c.71C>G, p.Thr24Ser (NM_001317186.2); short protein forms T618S, T24S, T163S, T679S.
Identifiers: ClinVar variation 2842709 (VCV002842709.5), dbSNP rs1961229985, ClinGen allele CA396467719.

ClinVar aggregate classification (germline): Conflicting classifications of pathogenicity. Review status: criteria provided, conflicting classifications (1 of 4 stars). 2 submissions from 2 submitters: Uncertain significance (1); Likely benign (1). Last evaluated 2026-07-06.

Conditions:
Hereditary diffuse gastric adenocarcinoma (HDGC). Also called: DIFFUSE GASTRIC AND LOBULAR BREAST CANCER SYNDROME. Identifiers: Orphanet 26106, MedGen C1708349, MONDO:0007648, OMIM 137215.
Hereditary cancer-predisposing syndrome. Also called: Hereditary Cancer Syndrome; Hereditary neoplastic syndrome; Neoplastic Syndromes, Hereditary; Tumor predisposition. Identifiers: Orphanet 140162, MedGen C0027672, MeSH D009386, MONDO:0015356.

Allele frequency attached by ClinVar (database versions not stated): gnomAD exomes below 0.00001.
gnomAD v4.1: 1 of 1,613,960 alleles (0.000062%); highest among the groups gnomAD compares: Non-Finnish European, 0.000085%; no homozygotes.

Submissions (2):

Ambry Genetics
Classification: Likely benign for Hereditary cancer-predisposing syndrome. Last evaluated: 2026-07-06. Review status: criteria provided, single submitter. Criteria: Ambry Variant Classification Scheme 2023. Collection method: clinical testing. Allele origin: germline.

Labcorp Genetics (formerly Invitae), Labcorp
Classification: Uncertain significance for Hereditary diffuse gastric adenocarcinoma. Last evaluated: 2024-08-31. Review status: criteria provided, single submitter. Criteria: Invitae Variant Classification Sherloc (09022015). Collection method: clinical testing. Allele origin: germline.
Comment: This sequence change replaces threonine, which is neutral and polar, with serine, which is neutral and polar, at codon 679 of the CDH1 protein (p.Thr679Ser). This variant is not present in population databases (gnomAD no frequency). This variant has not been reported in the literature in individuals affected with CDH1-related conditions. An algorithm developed to predict the effect of missense changes on protein structure and function (PolyPhen-2) suggests that this variant is likely to be disruptive. In summary, the available evidence is currently insufficient to determine the role of this variant in disease. Therefore, it has been classified as a Variant of Uncertain Significance.